The following is an entry in ClinVar:

ClinVar aggregate classification (germline): Pathogenic (1 of 4 stars; one submission).

Conditions:
Syndromic multisystem autoimmune disease due to ITCH deficiency. Also called: AUTOIMMUNE DISEASE, MULTISYSTEM, WITH FACIAL DYSMORPHISM. Identifiers: Orphanet 228426, MedGen C3150649, MONDO:0013245, OMIM 613385.

Submission:

Labcorp Genetics (formerly Invitae), Labcorp
Classification: Pathogenic for Syndromic multisystem autoimmune disease due to ITCH deficiency. Last evaluated: 2022-08-09. Review status: criteria provided, single submitter. Criteria: Invitae Variant Classification Sherloc (09022015). Collection method: clinical testing. Allele origin: germline.
Comment: This variant has not been reported in the literature in individuals affected with ITCH-related conditions. This variant is not present in population databases (gnomAD no frequency). For these reasons, this variant has been classified as Pathogenic. This sequence change creates a premature translational stop signal (p.Ile778Metfs*7) in the ITCH gene. It is expected to result in an absent or disrupted protein product. Loss-of-function variants in ITCH are known to be pathogenic (PMID: 20170897).

Literature cited by the submitters: PubMed 20170897.

NM_031483.7(ITCH):c.2334del (p.Ile778fs)

Gene: ITCH (itchy E3 ubiquitin protein ligase; plus strand). Cytogenetic location: 20q11.22.
Variant type: Deletion.
Coding change: c.2334del on transcript NM_031483.7 (MANE Select); coding-DNA position 2334, one base deleted (T; older notation c.2334delT).
Protein change: p.Ile778fs; shifts the reading frame from isoleucine 778.
Molecular consequence: frameshift variant.
Genome position (GRCh38, 1-based): chr20:34,492,515, T deleted; the last of 2 consecutive T bases (chr20:34,492,514-34,492,515); deleting either gives the same sequence. VCF-style (leftmost placement, unchanged base first): chr20-34492513-AT-A. GRCh37 (hg19) VCF-style: chr20-33080318-AT-A.
Other names: c.2457del, p.Ile819fs (NM_001257137.3, NM_001324197.2); c.2004del, p.Ile668fs (NM_001257138.3); c.2334del, p.Ile778fs (NM_001324198.2); short protein forms I668fs, I819fs, I778fs.
Identifiers: ClinVar variation 2116656 (VCV002116656.4), dbSNP rs2515940072, ClinGen allele CA2580098105.